The following is an entry in ClinVar:

NM_001291839.2(IKZF1):c.-15+422G>C

Genes: IKZF1 (IKAROS family zinc finger 1; plus strand), LOC129998437 (ATAC-STARR-seq lymphoblastoid silent region 18181; plus strand). Cytogenetic location: 7p12.2.
Variant type: single nucleotide variant.
Coding change: c.-15+422G>C on transcript NM_001291839.2; 422 bases into the intron after 15 bases upstream of the start codon, G replaced by C.
Molecular consequence: intron variant.
Genome position (GRCh38, 1-based): chr7:50,304,536, G>C. VCF-style: chr7-50304536-G-C. GRCh37 (hg19) VCF-style: chr7-50344132-G-C.
Other names: c.-15+6G>C (NM_001410879.1).
Identifiers: ClinVar variation 1235528 (VCV001235528.5), dbSNP rs11761922, ClinGen allele CA12538797.

ClinVar aggregate classification (germline): Benign (1 of 4 stars; one submission).

Allele frequency attached by ClinVar (database versions not stated): TOPMed 0.35153; 1000 Genomes Project 30x 0.39928; 1000 Genomes Project 0.39976; gnomAD exomes 0.32000.
gnomAD v4.1: 51,070 of 149,798 alleles (34%); highest among the groups gnomAD compares: East Asian, 54%; 9,106 homozygotes.

Submission:

GeneDx
Classification: Benign. Last evaluated: 2020-02-18. Review status: criteria provided, single submitter. Criteria: GeneDx Variant Classification Process June 2021. Collection method: clinical testing. Allele origin: germline. Affected: yes.
Comment: This variant is associated with the following publications: (PMID: 29292192)